The following is an entry in ClinVar:

ClinVar aggregate classification (germline): Conflicting classifications of pathogenicity. Review status: criteria provided, conflicting classifications (1 of 4 stars). 2 submissions from 2 submitters: Uncertain significance (1); Likely benign (1). Last evaluated 2022-10-11.

Conditions:
Hereditary cancer-predisposing syndrome. Also called: Tumor predisposition; Hereditary Cancer Syndrome; Neoplastic Syndromes, Hereditary; Hereditary neoplastic syndrome. Identifiers: Orphanet 140162, MedGen C0027672, MeSH D009386, MONDO:0015356.

Submissions (2):

Quest Diagnostics Nichols Institute San Juan Capistrano
Classification: Uncertain significance. Last evaluated: 2022-10-11. Review status: criteria provided, single submitter. Criteria: Quest Diagnostics criteria. Collection method: clinical testing. Allele origin: unknown.
Comment: This variant has not been reported in the published literature. It also has not been reported in large, multi-ethnic general populations. Analysis of this variant using software algorithms for the prediction of the effect of nucleotide changes on splicing yielded predictions that this variant does not affect DICER1 mRNA splicing . Based on the available information, we are unable to determine the clinical significance of this variant.

Ambry Genetics
Classification: Likely benign for Hereditary cancer-predisposing syndrome. Last evaluated: 2020-06-17. Review status: criteria provided, single submitter. Criteria: Ambry Variant Classification Scheme 2023. Collection method: clinical testing. Allele origin: germline.

NM_177438.3(DICER1):c.2724C>T (p.Gly908=)

Gene: DICER1 (dicer 1, ribonuclease III; minus strand). Cytogenetic location: 14q32.13.
Variant type: single nucleotide variant.
Coding change: c.2724C>T on transcript NM_177438.3 (MANE Select); coding-DNA position 2724, C replaced by T.
Protein change: p.Gly908=; no amino-acid change (glycine 908 retained).
Molecular consequence: synonymous variant. On other transcripts: non-coding transcript variant (6).
Genome position (GRCh38, 1-based): chr14:95,107,688, G>A on the plus strand (C>T on the coding strand, the complement: DICER1 is on the minus strand). VCF-style: chr14-95107688-G-A. GRCh37 (hg19) VCF-style: chr14-95574025-G-A.
Other names: c.2724C>T, p.Gly908= (NM_001195573.1, NM_001271282.3, NM_001291628.2 and 13 more transcripts); c.2442C>T, p.Gly814= (NM_001395686.1); c.2319C>T, p.Gly773= (NM_001395687.1, NM_001395688.1, NM_001395689.1 and 2 more transcripts); c.2157C>T, p.Gly719= (NM_001395691.1); c.1041C>T, p.Gly347= (NM_001395697.1).
Identifiers: ClinVar variation 1795221 (VCV001795221.3), dbSNP rs2542830280, ClinGen allele CA487628340.
Genomic context (GRCh38, chr14:95,107,688, plus strand): 5'-TTGGTAATCTTCTAATTTAAAAACAAAGGGTGTTTCTTTTGTATACTTTGTACTGGGAAT[G>A]CCTATGCGAGCTTCAGACTTCTCAATATCTTCCATGAATTTAAAGTCAATATCCAAAGTG-3'
Protein context (NP_803187.1, residues 898-918): EDIEKSEARI[Gly908=]IPSTKYTKET